The following is an entry in ClinVar:

NM_173689.7(CRB2):c.3136G>A (p.Gly1046Arg)

Gene: CRB2 (crumbs cell polarity complex component 2; plus strand). Cytogenetic location: 9q33.3.
Variant type: single nucleotide variant.
Coding change: c.3136G>A on transcript NM_173689.7 (MANE Select); coding-DNA position 3136, G replaced by A.
Protein change: p.Gly1046Arg; replaces glycine 1046 with arginine.
Molecular consequence: missense variant. On other transcripts: non-coding transcript variant (1).
Genome position (GRCh38, 1-based): chr9:123,373,667, G>A. VCF-style: chr9-123373667-G-A. GRCh37 (hg19) VCF-style: chr9-126135946-G-A.
Other names: short protein forms G1046R.
Identifiers: ClinVar variation 4538652 (VCV004538652.1).

ClinVar aggregate classification (germline): Uncertain significance (1 of 4 stars; one submission).

gnomAD v4.1: 6 of 1,441,856 alleles (0.00042%); highest among the groups gnomAD compares: Non-Finnish European, 0.00054%; no homozygotes.

Submission:

GeneDx
Classification: Uncertain significance. Last evaluated: 2025-06-16. Review status: criteria provided, single submitter. Criteria: GeneDx Variant Classification Process June 2021. Collection method: clinical testing. Allele origin: germline. Affected: yes.
Comment: Not observed at significant frequency in large population cohorts (gnomAD); In silico analysis suggests that this missense variant does not alter protein structure/function; Has not been previously published as pathogenic or benign to our knowledge